The following is an entry in ClinVar:

NM_000083.3(CLCN1):c.2462T>C (p.Ile821Thr)

Gene: CLCN1 (chloride voltage-gated channel 1; plus strand). Cytogenetic location: 7q34.
Variant type: single nucleotide variant.
Coding change: c.2462T>C on transcript NM_000083.3 (MANE Select); coding-DNA position 2462, T replaced by C.
Protein change: p.Ile821Thr; replaces isoleucine 821 with threonine.
Molecular consequence: missense variant. On other transcripts: non-coding transcript variant (1).
Genome position (GRCh38, 1-based): chr7:143,350,430, T>C. VCF-style: chr7-143350430-T-C. GRCh37 (hg19) VCF-style: chr7-143047523-T-C.
Other names: short protein forms I821T.
Identifiers: ClinVar variation 2440103 (VCV002440103.6), dbSNP rs780727663, ClinGen allele CA4537695.
Genomic context (GRCh38, chr7:143,350,430, plus strand): 5'-AGATTGAGGCCTGGGAGCAGGAGCAGCTGAGCCAGCCTGTCTGTTTTGATTCCTGCTGTA[T>C]TGACCAGTCTCCCTTCCAGCTGGTGGAGCAGACAACCCTGCACAAGGTGAGTCTTTTGCT-3'
Protein context (NP_000074.3, residues 811-831): SQPVCFDSCC[Ile821Thr]DQSPFQLVEQ

ClinVar aggregate classification (germline): Uncertain significance. Review status: criteria provided, multiple submitters, no conflicts (2 of 4 stars). 2 submissions from 2 submitters: Uncertain significance (2). Last evaluated 2025-12-09.

Conditions:
Congenital myotonia, autosomal recessive form. Also called: Becker Generalized Myotonia; BECKER DISEASE; myotonia congenita, autosomal recessive. Identifiers: Orphanet 614, MedGen C0751360, MONDO:0009715, OMIM 255700.
Congenital myotonia, autosomal dominant form (THD). Also called: THOMSEN DISEASE; Myotonia congenita autosomal dominant. Identifiers: Orphanet 614, MedGen C2936781, MONDO:0008055, OMIM 160800.

Allele frequency attached by ClinVar (database versions not stated): gnomAD 0.00002; TOPMed 0.00002; ExAC 0.00004; gnomAD exomes 0.00004.
gnomAD v4.1: 73 of 1,614,096 alleles (0.0045%); highest among the groups gnomAD compares: Non-Finnish European, 0.0053%; no homozygotes.

Submissions (2):

Labcorp Genetics (formerly Invitae), Labcorp
Classification: Uncertain significance for Congenital myotonia, autosomal recessive form; Congenital myotonia, autosomal dominant form. Last evaluated: 2025-12-09. Review status: criteria provided, single submitter. Criteria: Invitae Variant Classification Sherloc (09022015). Collection method: clinical testing. Allele origin: germline.
Comment: This sequence change replaces isoleucine, which is neutral and non-polar, with threonine, which is neutral and polar, at codon 821 of the CLCN1 protein (p.Ile821Thr). This variant is present in population databases (rs780727663, gnomAD 0.006%). This variant has not been reported in the literature in individuals affected with CLCN1-related conditions. ClinVar contains an entry for this variant (Variation ID: 2440103). Invitae Evidence Modeling of protein sequence and biophysical properties (such as structural, functional, and spatial information, amino acid conservation, physicochemical variation, residue mobility, and thermodynamic stability) has been performed for this missense variant. However, the output from this modeling did not meet the statistical confidence thresholds required to predict the impact of this variant on CLCN1 protein function. In summary, the available evidence is currently insufficient to determine the role of this variant in disease. Therefore, it has been classified as a Variant of Uncertain Significance.

Revvity Omics, Revvity
Classification: Uncertain significance. Last evaluated: 2022-01-24. Review status: criteria provided, single submitter. Criteria: ACMG Guidelines, 2015. Collection method: clinical testing. Allele origin: germline.